The following is an entry in ClinVar:

NM_052947.4(ALPK2):c.131C>G (p.Thr44Ser)

Gene: ALPK2 (alpha kinase 2; minus strand). Cytogenetic location: 18q21.32.
Variant type: single nucleotide variant.
Coding change: c.131C>G on transcript NM_052947.4 (MANE Select); coding-DNA position 131, C replaced by G.
Protein change: p.Thr44Ser; replaces threonine 44 with serine.
Molecular consequence: missense variant.
Genome position (GRCh38, 1-based): chr18:58,607,418, G>C on the plus strand (C>G on the coding strand, the complement: ALPK2 is on the minus strand). VCF-style: chr18-58607418-G-C. GRCh37 (hg19) VCF-style: chr18-56274650-G-C.
Other names: short protein forms T44S.
Identifiers: ClinVar variation 3530215 (VCV003530215.1).

ClinVar aggregate classification (germline): Uncertain significance (1 of 4 stars; one submission).

gnomAD v4.1: 1 of 1,612,064 alleles (0.000062%); highest among the groups gnomAD compares: East Asian, 0.0022%; no homozygotes.

Submission:

Ambry Genetics
Classification: Uncertain significance. Last evaluated: 2024-07-07. Review status: criteria provided, single submitter. Criteria: Ambry Variant Classification Scheme 2023. Collection method: clinical testing. Allele origin: germline.
Comment: The p.T44S variant (also known as c.131C>G), located in coding exon 2 of the ALPK2 gene, results from a C to G substitution at nucleotide position 131. The threonine at codon 44 is replaced by serine, an amino acid with similar properties. This amino acid position is conserved. In addition, this alteration is predicted to be tolerated by in silico analysis. Based on the available evidence, the clinical significance of this variant remains unclear.